The following is an entry in ClinVar:

ClinVar aggregate classification (germline): Uncertain significance. Review status: criteria provided, multiple submitters, no conflicts (2 of 4 stars). 2 submissions from 2 submitters: Uncertain significance (2). Last evaluated 2022-01-20.

Conditions:
Inborn genetic diseases. Identifiers: MedGen C0950123, MeSH D030342.

Allele frequency attached by ClinVar (database versions not stated): ExAC 0.00005; ESP Exome Variant Server 0.00008; gnomAD 0.00013; TOPMed 0.00014.
gnomAD v4.1: 30 of 1,613,904 alleles (0.0019%); highest among the groups gnomAD compares: African/African-American, 0.039%; no homozygotes.

Submissions (2):

Labcorp Genetics (formerly Invitae), Labcorp
Classification: Uncertain significance. Last evaluated: 2022-01-20. Review status: criteria provided, single submitter. Criteria: Invitae Variant Classification Sherloc (09022015). Collection method: clinical testing. Allele origin: germline.
Comment: This sequence change replaces aspartic acid, which is acidic and polar, with glutamic acid, which is acidic and polar, at codon 1275 of the FREM2 protein (p.Asp1275Glu). This variant is present in population databases (rs376806959, gnomAD 0.05%). This variant has not been reported in the literature in individuals affected with FREM2-related conditions. Algorithms developed to predict the effect of missense changes on protein structure and function are either unavailable or do not agree on the potential impact of this missense change (SIFT: "Deleterious"; PolyPhen-2: "Probably Damaging"; Align-GVGD: "Class C0"). In summary, the available evidence is currently insufficient to determine the role of this variant in disease. Therefore, it has been classified as a Variant of Uncertain Significance.

Ambry Genetics
Classification: Uncertain significance for Inborn genetic diseases. Last evaluated: 2021-08-12. Review status: criteria provided, single submitter. Criteria: Ambry Variant Classification Scheme 2023. Collection method: clinical testing. Allele origin: germline.

NM_207361.6(FREM2):c.3825C>G (p.Asp1275Glu)

Gene: FREM2 (FRAS1 related extracellular matrix 2; plus strand). Cytogenetic location: 13q13.3.
Variant type: single nucleotide variant.
Coding change: c.3825C>G on transcript NM_207361.6 (MANE Select); coding-DNA position 3825, C replaced by G.
Protein change: p.Asp1275Glu; replaces aspartic acid 1275 with glutamic acid.
Molecular consequence: missense variant.
Genome position (GRCh38, 1-based): chr13:38,691,169, C>G. VCF-style: chr13-38691169-C-G. GRCh37 (hg19) VCF-style: chr13-39265306-C-G.
Other names: c.3825C>G (NM_207361.4); short protein forms D1275E.
Identifiers: ClinVar variation 2202094 (VCV002202094.2), dbSNP rs376806959, ClinGen allele CA6954860.